The following is an entry in ClinVar:

ClinVar aggregate classification (germline): Uncertain significance. Review status: criteria provided, single submitter (1 of 4 stars). 2 submissions from 2 submitters: Uncertain significance (1). 1 of the submissions does not count toward it. Last evaluated 2024-09-27.

Conditions:
CYP11B1-related disorder. Also called: CYP11B1-related condition.
Inborn genetic diseases. Identifiers: MedGen C0950123, MeSH D030342.

Submissions (2):

Ambry Genetics
Classification: Uncertain significance for Inborn genetic diseases. Last evaluated: 2024-09-27. Review status: criteria provided, single submitter. Criteria: Ambry Variant Classification Scheme 2023. Collection method: clinical testing. Allele origin: germline.

PreventionGenetics, part of Exact Sciences
Classification: Uncertain significance for CYP11B1-related condition. Last evaluated: 2024-08-04. Review status: no assertion criteria provided. Collection method: clinical testing. Allele origin: germline. Not counted in ClinVar's aggregate classification.
Comment: The CYP11B1 c.783C>G variant is predicted to result in the amino acid substitution p.Asp261Glu. To our knowledge, this variant has not been reported in the literature. This variant is reported in 0.062% of alleles in individuals of Latino descent in gnomAD. At this time, the clinical significance of this variant is uncertain due to the absence of conclusive functional and genetic evidence.

NM_000497.4(CYP11B1):c.783C>G (p.Asp261Glu)

Genes: CYP11B1 (cytochrome P450 family 11 subfamily B member 1; minus strand), LOC106799833 (CYP11B1 recombination region; plus strand). Cytogenetic location: 8q24.3.
Variant type: single nucleotide variant.
Coding change: c.783C>G on transcript NM_000497.4 (MANE Select); coding-DNA position 783, C replaced by G.
Protein change: p.Asp261Glu; replaces aspartic acid 261 with glutamic acid.
Molecular consequence: missense variant.
Genome position (GRCh38, 1-based): chr8:142,876,698, G>C on the plus strand (C>G on the coding strand, the complement: CYP11B1 is on the minus strand). VCF-style: chr8-142876698-G-C. GRCh37 (hg19) VCF-style: chr8-143958114-G-C.
Other names: c.783C>G, p.Asp261Glu (NM_001026213.1); short protein forms D261E.
Identifiers: ClinVar variation 3352442 (VCV003352442.2).